The following is an entry in ClinVar:

ClinVar aggregate classification (germline): Uncertain significance (1 of 4 stars; one submission).

Conditions:
Hypogonadotropic hypogonadism 2 with or without anosmia (HH2). Also called: FGFR1-Related GnRH Deficiency (Kallmann Syndrome 2); HYPOGONADOTROPIC HYPOGONADISM 2 WITHOUT ANOSMIA; HYPOGONADOTROPIC HYPOGONADISM 2 WITH OR WITHOUT ANOSMIA, SUSCEPTIBILITY TO; HYPOGONADOTROPIC HYPOGONADISM 2 WITHOUT ANOSMIA, SUSCEPTIBILITY TO. Identifiers: Orphanet 478, MedGen C1563720, MONDO:0007844, OMIM 147950. Disease mechanism: loss of function.
Pfeiffer syndrome (ACS5). Also called: ACS V. Identifiers: Orphanet 710, MedGen C0220658, MONDO:0007043, OMIM 101600.

Submission:

Labcorp Genetics (formerly Invitae), Labcorp
Classification: Uncertain significance for Pfeiffer syndrome; Hypogonadotropic hypogonadism 2 with or without anosmia. Last evaluated: 2024-01-18. Review status: criteria provided, single submitter. Criteria: Invitae Variant Classification Sherloc (09022015). Collection method: clinical testing. Allele origin: unknown.
Comment: This variant results in a copy number gain of the genomic region encompassing exon(s) 2 of the FGFR1 gene. This region includes the initiator codon of the gene. This copy number gain extends beyond the assayed region for this gene and therefore may encompass additional genes. As the precise location of this event is unknown, it may be in tandem or it may be located elsewhere in the genome. This variant has not been reported in the literature in individuals affected with FGFR1-related conditions. Experimental studies and prediction algorithms are not available or were not evaluated, and the functional significance of this variant is currently unknown. In summary, the available evidence is currently insufficient to determine the role of this variant in disease. Therefore, it has been classified as a Variant of Uncertain Significance.

NC_000008.10:g.(?_38314854)_(38314964_?)dup

Gene: FGFR1 (fibroblast growth factor receptor 1; minus strand). Cytogenetic location: 8p11.22.
Variant type: Duplication.
Identifiers: ClinVar variation 3245512 (VCV003245512.1).